The following is an entry in ClinVar:

NM_001010867.4(IBA57):c.645C>T (p.Asp215=)

Gene: IBA57 (iron-sulfur cluster assembly factor IBA57; plus strand). Cytogenetic location: 1q42.13.
Variant type: single nucleotide variant.
Coding change: c.645C>T on transcript NM_001010867.4 (MANE Select); coding-DNA position 645, C replaced by T.
Protein change: p.Asp215=; no amino-acid change (aspartic acid 215 retained).
Molecular consequence: synonymous variant.
Genome position (GRCh38, 1-based): chr1:228,174,995, C>T. VCF-style: chr1-228174995-C-T. GRCh37 (hg19) VCF-style: chr1-228362696-C-T.
Other names: c.66C>T, p.Asp22= (NM_001310327.2).
Identifiers: ClinVar variation 541313 (VCV000541313.15), dbSNP rs61743941, ClinGen allele CA1431205.

ClinVar aggregate classification (germline): Benign/Likely benign. Review status: criteria provided, multiple submitters, no conflicts (2 of 4 stars). 4 submissions from 4 submitters: Benign (1); Likely benign (2). 1 of the submissions does not count toward it. Last evaluated 2025-12-20.

Conditions:
IBA57-related disorder. Also called: IBA57-related condition.
Multiple mitochondrial dysfunctions syndrome 3 (MMDS3). Identifiers: Orphanet 363424, MedGen C3809165, MONDO:0014132, OMIM 615330.
Hereditary spastic paraplegia 74. Also called: Spastic paraplegia 74, autosomal recessive. Identifiers: Orphanet 468661, MedGen C5568837, MONDO:0014644, OMIM 616451.

Allele frequency attached by ClinVar (database versions not stated): gnomAD exomes 0.00028; ExAC 0.00033; gnomAD 0.00105 and 0.00107; ESP Exome Variant Server 0.00115; TOPMed 0.00121; 1000 Genomes Project 30x 0.00219; 1000 Genomes Project 0.00220.
gnomAD v4.1: 283 of 1,549,230 alleles (0.018%); highest among the groups gnomAD compares: African/African-American, 0.36%; 1 homozygote.

Submissions (4):

Labcorp Genetics (formerly Invitae), Labcorp
Classification: Benign for Multiple mitochondrial dysfunctions syndrome 3; Hereditary spastic paraplegia 74. Last evaluated: 2025-12-20. Review status: criteria provided, single submitter. Criteria: Invitae Variant Classification Sherloc (09022015). Collection method: clinical testing. Allele origin: germline.

Blueprint Genetics
Classification: Likely benign. Last evaluated: 2024-10-18. Review status: criteria provided, single submitter. Criteria: ACMG Guidelines, 2015. Collection method: clinical testing. Allele origin: germline.

GeneDx
Classification: Likely benign. Last evaluated: 2018-05-01. Review status: criteria provided, single submitter. Criteria: GeneDx Variant Classification (06012015). Collection method: clinical testing. Allele origin: germline. Affected: yes.
Comment: This variant is considered likely benign or benign based on one or more of the following criteria: it is a conservative change, it occurs at a poorly conserved position in the protein, it is predicted to be benign by multiple in silico algorithms, and/or has population frequency not consistent with disease.

PreventionGenetics, part of Exact Sciences
Classification: Likely benign for IBA57-related condition. Last evaluated: 2019-08-13. Review status: no assertion criteria provided. Collection method: clinical testing. Allele origin: germline. Not counted in ClinVar's aggregate classification.
Comment: This variant is classified as likely benign based on ACMG/AMP sequence variant interpretation guidelines (Richards et al. 2015 PMID: 25741868, with internal and published modifications).